The following is an entry in ClinVar:

ClinVar aggregate classification (germline): Uncertain significance (1 of 4 stars; one submission).

Conditions:
Osteogenesis imperfecta type 7 (OI7). Also called: OSTEOGENESIS IMPERFECTA, TYPE IIB; OI type 7; OI type VII; Osteogenesis imperfecta type 2B; OI type 2B; Osteogenesis imperfecta, perinatal lethal autosomal recessive. Identifiers: MedGen C1853162, MONDO:0012536, OMIM 610682.

gnomAD v4.1: 6 of 1,568,736 alleles (0.00038%); highest among the groups gnomAD compares: African/African-American, 0.0014%; no homozygotes.

Submission:

Labcorp Genetics (formerly Invitae), Labcorp
Classification: Uncertain significance for Osteogenesis imperfecta type 7. Last evaluated: 2022-08-22. Review status: criteria provided, single submitter. Criteria: Invitae Variant Classification Sherloc (09022015). Collection method: clinical testing. Allele origin: germline.
Comment: Algorithms developed to predict the effect of missense changes on protein structure and function are either unavailable or do not agree on the potential impact of this missense change (SIFT: "Tolerated"; PolyPhen-2: "Not Available"; Align-GVGD: "Class C0"). This variant has not been reported in the literature in individuals affected with CRTAP-related conditions. This variant is not present in population databases (gnomAD no frequency). This sequence change replaces alanine, which is neutral and non-polar, with threonine, which is neutral and polar, at codon 20 of the CRTAP protein (p.Ala20Thr). In summary, the available evidence is currently insufficient to determine the role of this variant in disease. Therefore, it has been classified as a Variant of Uncertain Significance.

NM_006371.5(CRTAP):c.58G>A (p.Ala20Thr)

Genes: CRTAP (cartilage associated protein; plus strand), LOC129936436 (ATAC-STARR-seq lymphoblastoid silent region 14183; plus strand). Cytogenetic location: 3p22.3.
Variant type: single nucleotide variant.
Coding change: c.58G>A on transcript NM_006371.5 (MANE Select); coding-DNA position 58, G replaced by A.
Protein change: p.Ala20Thr; replaces alanine 20 with threonine.
Molecular consequence: missense variant.
Genome position (GRCh38, 1-based): chr3:33,114,135, G>A. VCF-style: chr3-33114135-G-A. GRCh37 (hg19) VCF-style: chr3-33155627-G-A.
Other names: c.58G>A, p.Ala20Thr (NM_001393363.1, NM_001393364.1, NM_001393365.1); short protein forms A20T.
Identifiers: ClinVar variation 2075471 (VCV002075471.4), dbSNP rs2471560891, ClinGen allele CA352008072.